The following is an entry in ClinVar:

ClinVar aggregate classification (germline): Uncertain significance (1 of 4 stars; one submission).

Conditions:
Acromesomelic dysplasia 1, Maroteaux type (AMD1). Also called: ST. HELENA DYSPLASIA; ACROMESOMELIC DYSPLASIA 1. Identifiers: Orphanet 40, MedGen C1864356, MONDO:0011275, OMIM 602875.

Submission:

3billion
Classification: Uncertain significance for Acromesomelic dysplasia 1, Maroteaux type. Last evaluated: 2025-08-18. Review status: criteria provided, single submitter. Criteria: ACMG Guidelines, 2015. Collection method: clinical testing. Allele origin: germline. Affected: yes.
Comment: The variant is not observed in the gnomAD v4.1.0 dataset. Predicted Consequence/Location: Inframe deletion located in a nonrepeat region: predicted to change the length of the protein and disrupt normal protein function. Therefore, this variant is classified as VUS according to the recommendation of ACMG/AMP guideline.

NM_003995.4(NPR2):c.1359_1367del (p.Ser454_Leu456del)

Gene: NPR2 (natriuretic peptide receptor 2; plus strand). Cytogenetic location: 9p13.3.
Variant type: Deletion.
Coding change: c.1359_1367del on transcript NM_003995.4 (MANE Select); coding-DNA positions 1359 to 1367, 9 bases deleted (TTCAACCCT; older notation c.1359_1367delTTCAACCCT).
Protein change: p.Ser454_Leu456del.
Molecular consequence: inframe deletion.
Genome position (GRCh38, 1-based): chr9:35,801,077-35,801,085, TTCAACCCT deleted; deleting any 9 consecutive bases within chr9:35,801,075-35,801,085 gives the same sequence; the c. name uses the placement nearest the transcript's 3' end. VCF-style (leftmost placement, unchanged base first): chr9-35801074-ACTTTCAACC-A. GRCh37 (hg19) VCF-style: chr9-35801071-ACTTTCAACC-A.
Other names: c.1359_1367del, p.Ser454_Leu456del (NM_001378923.1).
Identifiers: ClinVar variation 4854129 (VCV004854129.1).